The following is an entry in ClinVar:

NM_003172.4(SURF1):c.611T>G (p.Ile204Ser)

Gene: SURF1 (SURF1 cytochrome c oxidase assembly factor; minus strand). Cytogenetic location: 9q34.2.
Variant type: single nucleotide variant.
Coding change: c.611T>G on transcript NM_003172.4 (MANE Select); coding-DNA position 611, T replaced by G.
Protein change: p.Ile204Ser; replaces isoleucine 204 with serine.
Molecular consequence: missense variant.
Genome position (GRCh38, 1-based): chr9:133,352,586, A>C on the plus strand (T>G on the coding strand, the complement: SURF1 is on the minus strand). VCF-style: chr9-133352586-A-C. GRCh37 (hg19) VCF-style: chr9-136219441-A-C.
Other names: c.611T>G (NM_003172.2); c.284T>G, p.Ile95Ser (NM_001280787.1); short protein forms I204S, I95S.
Identifiers: ClinVar variation 1520946 (VCV001520946.4), dbSNP rs1209784974, ClinGen allele CA375693899.
Genomic context (GRCh38, chr9:133,352,586, plus strand): 5'-CTTTCTGGATTGTTCTCAGGGACAAAAGGCTGCCTGGTTTCTGTCAGCCTCACCATCCCA[A>C]TGAGGTCCACTTCTCCCTCAATCTATAAAGGAAGGTGTGTGAGATTGCATGGAGCCTGGT-3'
Protein context (NP_003163.1, residues 194-214): KGQIEGEVDL[Ile204Ser]GMVRLTETRQ

ClinVar aggregate classification (germline): Uncertain significance. Review status: criteria provided, multiple submitters, no conflicts (2 of 4 stars). 2 submissions from 2 submitters: Uncertain significance (2). Last evaluated 2024-12-06.

Conditions:
Inborn genetic diseases. Identifiers: MedGen C0950123, MeSH D030342.
Leigh syndrome (NULS). Also called: Leigh's necrotizing encephalopathy; Leigh's disease; Leigh Syndrome (mtDNA deletion); Leigh's syndrome; Leigh Disease; Subacute necrotizing encephalopathy. Identifiers: Orphanet 506, MedGen C2931891, MONDO:0009723, OMIM 256000.

gnomAD v4.1: 5 of 1,614,072 alleles (0.00031%); highest among the groups gnomAD compares: Middle Eastern, 0.016%; no homozygotes.

Submissions (2):

Ambry Genetics
Classification: Uncertain significance for Inborn genetic diseases. Last evaluated: 2024-12-06. Review status: criteria provided, single submitter. Criteria: Ambry Variant Classification Scheme 2023. Collection method: clinical testing. Allele origin: germline.

Labcorp Genetics (formerly Invitae), Labcorp
Classification: Uncertain significance for Leigh syndrome. Last evaluated: 2022-07-20. Review status: criteria provided, single submitter. Criteria: Invitae Variant Classification Sherloc (09022015). Collection method: clinical testing. Allele origin: germline.
Comment: This sequence change replaces isoleucine, which is neutral and non-polar, with serine, which is neutral and polar, at codon 204 of the SURF1 protein (p.Ile204Ser). This variant is not present in population databases (gnomAD no frequency). This variant has not been reported in the literature in individuals affected with SURF1-related conditions. ClinVar contains an entry for this variant (Variation ID: 1520946). Algorithms developed to predict the effect of missense changes on protein structure and function (SIFT, PolyPhen-2, Align-GVGD) all suggest that this variant is likely to be tolerated. In summary, the available evidence is currently insufficient to determine the role of this variant in disease. Therefore, it has been classified as a Variant of Uncertain Significance.